The following is an entry in ClinVar:

ClinVar aggregate classification (germline): Conflicting classifications of pathogenicity. Review status: criteria provided, conflicting classifications (1 of 4 stars). 3 submissions from 3 submitters: Uncertain significance (2); Likely benign (1). Last evaluated 2025-08-25.

Conditions:
Inborn genetic diseases. Identifiers: MedGen C0950123, MeSH D030342.

Allele frequency attached by ClinVar (database versions not stated): TOPMed below 0.00001.

Submissions (3):

Ambry Genetics
Classification: Uncertain significance for Inborn genetic diseases. Last evaluated: 2025-08-25. Review status: criteria provided, single submitter. Criteria: Ambry Variant Classification Scheme 2023. Collection method: clinical testing. Allele origin: germline.

Labcorp Genetics (formerly Invitae), Labcorp
Classification: Uncertain significance. Last evaluated: 2025-04-02. Review status: criteria provided, single submitter. Criteria: Invitae Variant Classification Sherloc (09022015). Collection method: clinical testing. Allele origin: germline.
Comment: This sequence change replaces asparagine, which is neutral and polar, with lysine, which is basic and polar, at codon 24 of the NR2F1 protein (p.Asn24Lys). The frequency data for this variant in the population databases is considered unreliable, as metrics indicate insufficient coverage at this position in the gnomAD database. This variant has not been reported in the literature in individuals affected with NR2F1-related conditions. ClinVar contains an entry for this variant (Variation ID: 1206936). Invitae Evidence Modeling of protein sequence and biophysical properties (such as structural, functional, and spatial information, amino acid conservation, physicochemical variation, residue mobility, and thermodynamic stability) indicates that this missense variant is not expected to disrupt NR2F1 protein function with a negative predictive value of 95%. In summary, the available evidence is currently insufficient to determine the role of this variant in disease. Therefore, it has been classified as a Variant of Uncertain Significance.

GeneDx
Classification: Likely benign. Last evaluated: 2021-03-16. Review status: criteria provided, single submitter. Criteria: GeneDx Variant Classification Process June 2021. Collection method: clinical testing. Allele origin: germline. Affected: yes.
Comment: Not observed in large population cohorts (Lek et al., 2016); In silico analysis supports that this missense variant does not alter protein structure/function; Has not been previously published as pathogenic or benign to our knowledge

NM_005654.6(NR2F1):c.72C>A (p.Asn24Lys)

Genes: NR2F1 (nuclear receptor subfamily 2 group F member 1; plus strand), NR2F1-AS1 (NR2F1 regulatory antisense RNA 1; minus strand). Cytogenetic location: 5q15.
Variant type: single nucleotide variant.
Coding change: c.72C>A on transcript NM_005654.6 (MANE Select); coding-DNA position 72, C replaced by A.
Protein change: p.Asn24Lys; replaces asparagine 24 with lysine.
Molecular consequence: missense variant.
Genome position (GRCh38, 1-based): chr5:93,585,095, C>A. VCF-style: chr5-93585095-C-A. GRCh37 (hg19) VCF-style: chr5-92920801-C-A.
Other names: short protein forms N24K.
Identifiers: ClinVar variation 1206936 (VCV001206936.5), dbSNP rs1753205307, ClinGen allele CA360525465.